The following is an entry in ClinVar:

NM_001605.3(AARS1):c.1112T>G (p.Val371Gly)

Gene: AARS1 (alanyl-tRNA synthetase 1; minus strand). Cytogenetic location: 16q22.1.
Variant type: single nucleotide variant.
Coding change: c.1112T>G on transcript NM_001605.3 (MANE Select); coding-DNA position 1112, T replaced by G.
Protein change: p.Val371Gly; replaces valine 371 with glycine.
Molecular consequence: missense variant.
Genome position (GRCh38, 1-based): chr16:70,267,769, A>C on the plus strand (T>G on the coding strand, the complement: AARS1 is on the minus strand). VCF-style: chr16-70267769-A-C. GRCh37 (hg19) VCF-style: chr16-70301672-A-C.
Other names: short protein forms V371G.
Identifiers: ClinVar variation 4804774 (VCV004804774.2).
Genomic context (GRCh38, chr16:70,267,769, plus strand): 5'-CGACGCCCTCTGCTGAGAGTCTTGAGAAACTGCACCTCTTCTTCATTAATGATGTCCTTC[A>C]CCATGTCTGGGTCCTTCTTCAGCTCAGGAAATGCATCTCCCTGACAAAGGGGAAGCAAGA-3'
Protein context (NP_001596.2, residues 361-381): FPELKKDPDM[Val371Gly]KDIINEEEVQ

ClinVar aggregate classification (germline): Uncertain significance. Review status: criteria provided, multiple submitters, no conflicts (2 of 4 stars). 2 submissions from 2 submitters: Uncertain significance (2). Last evaluated 2026-01-14.

Conditions:
Inborn genetic diseases. Identifiers: MedGen C0950123, MeSH D030342.
Charcot-Marie-Tooth disease type 2. Also called: Charcot-Marie-Tooth type 2. Identifiers: Orphanet 64746, MedGen C0270914, MONDO:0018993.

Submissions (2):

Ambry Genetics
Classification: Uncertain significance for Inborn genetic diseases. Last evaluated: 2026-01-14. Review status: criteria provided, single submitter. Criteria: Ambry Variant Classification Scheme 2023. Collection method: clinical testing. Allele origin: germline.

Labcorp Genetics (formerly Invitae), Labcorp
Classification: Uncertain significance for Charcot-Marie-Tooth disease type 2. Last evaluated: 2025-06-09. Review status: criteria provided, single submitter. Criteria: Invitae Variant Classification Sherloc (09022015). Collection method: clinical testing. Allele origin: germline.
Comment: This sequence change replaces valine, which is neutral and non-polar, with glycine, which is neutral and non-polar, at codon 371 of the AARS protein (p.Val371Gly). This variant is not present in population databases (gnomAD no frequency). This variant has not been reported in the literature in individuals affected with AARS-related conditions. Invitae Evidence Modeling of protein sequence and biophysical properties (such as structural, functional, and spatial information, amino acid conservation, physicochemical variation, residue mobility, and thermodynamic stability) indicates that this missense variant is expected to disrupt AARS protein function with a positive predictive value of 80%. In summary, the available evidence is currently insufficient to determine the role of this variant in disease. Therefore, it has been classified as a Variant of Uncertain Significance.